The following is an entry in ClinVar:

NM_203288.2(RP9):c.448C>T (p.Arg150Ter)

Gene: RP9 (RP9 pre-mRNA splicing factor; minus strand). Cytogenetic location: 7p14.3.
Variant type: single nucleotide variant.
Coding change: c.448C>T on transcript NM_203288.2 (MANE Select); coding-DNA position 448, C replaced by T.
Protein change: p.Arg150Ter; replaces arginine 150 with a stop codon.
Molecular consequence: nonsense.
Genome position (GRCh38, 1-based): chr7:33,096,512, G>A on the plus strand (C>T on the coding strand, the complement: RP9 is on the minus strand). VCF-style: chr7-33096512-G-A. GRCh37 (hg19) VCF-style: chr7-33136124-G-A.
Other names: short protein forms R150*.
Identifiers: ClinVar variation 1976518 (VCV001976518.5), dbSNP rs2534909827, ClinGen allele CA367181328.

ClinVar aggregate classification (germline): Uncertain significance (1 of 4 stars; one submission).

Allele frequency attached by ClinVar (database versions not stated): gnomAD exomes below 0.00001.

Submission:

Labcorp Genetics (formerly Invitae), Labcorp
Classification: Uncertain significance. Last evaluated: 2025-04-28. Review status: criteria provided, single submitter. Criteria: Invitae Variant Classification Sherloc (09022015). Collection method: clinical testing. Allele origin: germline.
Comment: This sequence change creates a premature translational stop signal (p.Arg150*) in the RP9 gene. While this is not anticipated to result in nonsense mediated decay, it is expected to disrupt the last 72 amino acid(s) of the RP9 protein. This variant is not present in population databases (gnomAD no frequency). This premature translational stop signal has been observed in individual(s) with macular degeneration (PMID: 33090715). ClinVar contains an entry for this variant (Variation ID: 1976518). Algorithms developed to predict the effect of sequence changes on RNA splicing suggest that this variant may disrupt the consensus splice site. In summary, the available evidence is currently insufficient to determine the role of this variant in disease. Therefore, it has been classified as a Variant of Uncertain Significance.

Literature cited by the submitters: PubMed 33090715.